The following is an entry in ClinVar:

NM_000284.4(PDHA1):c.788G>A (p.Arg263Gln)

Gene: PDHA1 (pyruvate dehydrogenase E1 subunit alpha 1; plus strand). Cytogenetic location: Xp22.12.
Variant type: single nucleotide variant.
Coding change: c.788G>A on transcript NM_000284.4 (MANE Select); coding-DNA position 788, G replaced by A.
Protein change: p.Arg263Gln; replaces arginine 263 with glutamine.
Molecular consequence: missense variant.
Genome position (GRCh38, 1-based): chrX:19,355,714, G>A. VCF-style: chrX-19355714-G-A. GRCh37 (hg19) VCF-style: chrX-19373832-G-A.
Other names: c.902G>A, p.Arg301Gln (NM_001173454.2); c.809G>A, p.Arg270Gln (NM_001173455.2); c.695G>A, p.Arg232Gln (NM_001173456.2); c.788G>A (NM_000284.3); short protein forms R232Q, R263Q, R270Q, R301Q.
Identifiers: ClinVar variation 2717338 (VCV002717338.4), dbSNP rs2063192428, ClinGen allele CA412394773.

ClinVar aggregate classification (germline): Pathogenic. Review status: criteria provided, single submitter (1 of 4 stars). 2 submissions from 2 submitters: Pathogenic (1). 1 of the submissions does not count toward it. Last evaluated 2023-07-16.

Conditions:
Pyruvate dehydrogenase E1-alpha deficiency (PDHAD). Also called: ATAXIA, INTERMITTENT, WITH PYRUVATE DEHYDROGENASE DEFICIENCY; ATAXIA WITH LACTIC ACIDOSIS I; ATAXIA, INTERMITTENT, WITH ABNORMAL PYRUVATE METABOLISM; Ataxia, intermittent, with pyruvate dehydrogenase, or decarboxylase, deficiency. Identifiers: Orphanet 79243, MedGen C1839413, MONDO:0010717, OMIM 312170.

Submissions (2):

Labcorp Genetics (formerly Invitae), Labcorp
Classification: Pathogenic for Pyruvate dehydrogenase E1-alpha deficiency. Last evaluated: 2023-07-16. Review status: criteria provided, single submitter. Criteria: Invitae Variant Classification Sherloc (09022015). Collection method: clinical testing. Allele origin: germline.
Comment: For these reasons, this variant has been classified as Pathogenic. This variant disrupts the p.Arg263 amino acid residue in PDHA1. Other variant(s) that disrupt this residue have been determined to be pathogenic (PMID: 1508605, 7887409, 8504306, 19639391). This suggests that this residue is clinically significant, and that variants that disrupt this residue are likely to be disease-causing. Advanced modeling of protein sequence and biophysical properties (such as structural, functional, and spatial information, amino acid conservation, physicochemical variation, residue mobility, and thermodynamic stability) performed at Invitae indicates that this missense variant is expected to disrupt PDHA1 protein function. This missense change has been observed in individuals with clinical features of pyruvate dehydrogenase lipoic acid synthetase deficiency (PMID: 25582476, 28584645). This variant is not present in population databases (gnomAD no frequency). This sequence change replaces arginine, which is basic and polar, with glutamine, which is neutral and polar, at codon 263 of the PDHA1 protein (p.Arg263Gln).

PDHA1 Study Group, University Children’s Hospital, Paracelsus Medical University
Classification: Likely pathogenic for Pyruvate dehydrogenase E1-alpha deficiency. Last evaluated: 2024-10-15. Review status: no assertion criteria provided. Collection method: research. Allele origin: de novo. Affected: yes. Observed: 6 variant alleles. Not counted in ClinVar's aggregate classification.
Comment: The NM_000284.3:c.788G>A (p.Arg263Gln) substitution is a missense variant in PDHA1 gene. In total, 6 individuals are diagnosed with PDHA1-related Pyruvate dehydrogenase complex (PDHc) deficiency (MIM #312170). These include 6 males. Among them, 3 cases have confirmed de novo occurrence, and 1 is confirmed inherited. The variant has been reported in 3 published cases (PMIDs: 7967473, 28584645, 28918066). Additional 3 unpublished cases from internal data are included. Last literature search: July 12, 2024. This variant is absent or extremely rare in population-based cohorts in the Genome Aggregation Database (gnomAD). Individuals harboring this variant present with clinical features compatible with PDHA1-related PDHc deficiency. In summary, this variant meets criteria to be classified as likely pathogenic (LP) for PDHA1-related PDHc deficiency based on the ACMG/AMP criteria applied: PM1, PM2, PM5, PM7, PP3 (last assessment October 15, 2024).

Literature cited by the submitters: PubMed 1508605 (cited by Labcorp Genetics (formerly Invitae), Labcorp); PubMed 7887409 (cited by Labcorp Genetics (formerly Invitae), Labcorp); PubMed 8504306 (cited by Labcorp Genetics (formerly Invitae), Labcorp); PubMed 19639391 (cited by Labcorp Genetics (formerly Invitae), Labcorp); PubMed 25582476 (cited by Labcorp Genetics (formerly Invitae), Labcorp); PubMed 28584645 (cited by Labcorp Genetics (formerly Invitae), Labcorp and PDHA1 Study Group, University Children’s Hospital, Paracelsus Medical University); PubMed 7967473 (cited by PDHA1 Study Group, University Children’s Hospital, Paracelsus Medical University); PubMed 28918066 (cited by PDHA1 Study Group, University Children’s Hospital, Paracelsus Medical University); DOI 10.1093/brain/awaf430 (cited by PDHA1 Study Group, University Children’s Hospital, Paracelsus Medical University).